The following is an entry in ClinVar:

NM_000038.6(APC):c.3827C>T (p.Ser1276Leu)

Gene: APC (APC regulator of Wnt signaling pathway; plus strand). Cytogenetic location: 5q22.2.
Variant type: single nucleotide variant.
Coding change: c.3827C>T on transcript NM_000038.6 (MANE Select); coding-DNA position 3827, C replaced by T.
Protein change: p.Ser1276Leu; replaces serine 1276 with leucine.
Molecular consequence: missense variant. On other transcripts: non-coding transcript variant (2).
Genome position (GRCh38, 1-based): chr5:112,839,421, C>T. VCF-style: chr5-112839421-C-T. GRCh37 (hg19) VCF-style: chr5-112175118-C-T.
Other names: c.3827C>T, p.Ser1276Leu (NM_001127510.3, NM_001354895.2, NM_001407450.1); c.3773C>T, p.Ser1258Leu (NM_001127511.3); c.3881C>T, p.Ser1294Leu (NM_001354896.2, NM_001407447.1, NM_001407448.1 and 1 more transcripts); c.3857C>T, p.Ser1286Leu (NM_001354897.2); c.3752C>T, p.Ser1251Leu (NM_001354898.2); c.3743C>T, p.Ser1248Leu (NM_001354899.2); c.3704C>T, p.Ser1235Leu (NM_001354900.2); c.3650C>T, p.Ser1217Leu (NM_001354901.2, NM_001407453.1); and 11 more; short protein forms S1116L, S1147L, S1150L, S1175L, S1185L, S1193L, S1217L, S1235L.
Identifiers: ClinVar variation 4801477 (VCV004801477.1).

ClinVar aggregate classification (germline): Uncertain significance (1 of 4 stars; one submission).

Conditions:
Familial adenomatous polyposis 1 (FAP1). Also called: FAMILIAL ADENOMATOUS POLYPOSIS 1, ATTENUATED; POLYPOSIS, ADENOMATOUS INTESTINAL. Identifiers: MedGen C2713442, MONDO:0021056, OMIM 175100. Disease mechanism: loss of function.

Submission:

Labcorp Genetics (formerly Invitae), Labcorp
Classification: Uncertain significance for Familial adenomatous polyposis 1. Last evaluated: 2025-08-22. Review status: criteria provided, single submitter. Criteria: Invitae Variant Classification Sherloc (09022015). Collection method: clinical testing. Allele origin: germline.
Comment: This sequence change replaces serine, which is neutral and polar, with leucine, which is neutral and non-polar, at codon 1276 of the APC protein (p.Ser1276Leu). This variant is not present in population databases (gnomAD no frequency). This variant has not been reported in the literature in individuals affected with APC-related conditions. Invitae Evidence Modeling of protein sequence and biophysical properties (such as structural, functional, and spatial information, amino acid conservation, physicochemical variation, residue mobility, and thermodynamic stability) indicates that this missense variant is not expected to disrupt APC protein function with a negative predictive value of 95%. In summary, the available evidence is currently insufficient to determine the role of this variant in disease. Therefore, it has been classified as a Variant of Uncertain Significance.